The following is an entry in ClinVar:

ClinVar aggregate classification (germline): Uncertain significance (1 of 4 stars; one submission).

Allele frequency attached by ClinVar (database versions not stated): gnomAD exomes 0.00001.
gnomAD v4.1: 13 of 1,155,727 alleles (0.0011%); highest among the groups gnomAD compares: Non-Finnish European, 0.00069%; no homozygotes.

Submission:

Centre for Mendelian Genomics, University Medical Centre Ljubljana
Classification: Uncertain significance. Last evaluated: 2020-01-13. Review status: criteria provided, single submitter. Criteria: ACMG Guidelines, 2015. Collection method: clinical testing. Allele origin: unknown. Affected: yes.
Comment: This variant was classified as: Uncertain significance. The available evidence on this variant's pathogenicity is insufficient or conflicting. The following ACMG criteria were applied in classifying this variant: PP3. This variant was detected in hemizygous state.

NM_032621.4(BEX2):c.-9C>A

Gene: BEX2 (brain expressed X-linked 2; minus strand). Cytogenetic location: Xq22.2.
Variant type: single nucleotide variant.
Coding change: c.-9C>A on transcript NM_032621.4 (MANE Select); 9 bases upstream of the start codon, C replaced by A.
Molecular consequence: 5 prime UTR variant. On other transcripts: missense variant (2).
Genome position (GRCh38, 1-based): chrX:103,310,361, G>T on the plus strand (C>A on the coding strand, the complement: BEX2 is on the minus strand). VCF-style: chrX-103310361-G-T. GRCh37 (hg19) VCF-style: chrX-102565289-G-T.
Other names: c.88C>A, p.Pro30Thr (NM_001168399.2); c.85C>A, p.Pro29Thr (NM_001168400.2); c.-9C>A (NM_001168401.2); short protein forms P30T, P29T.
Identifiers: ClinVar variation 931608 (VCV000931608.3), dbSNP rs1425593459, ClinGen allele CA414088079.